The following is an entry in ClinVar:

ClinVar aggregate classification (germline): Conflicting classifications of pathogenicity. Review status: criteria provided, conflicting classifications (1 of 4 stars). 5 submissions from 5 submitters: Uncertain significance (1); Likely benign (3). 1 of the submissions does not count toward it. Last evaluated 2026-01-19.

Conditions:
Joubert syndrome 14 (JBTS14). Identifiers: MedGen C3280766, MONDO:0013745, OMIM 614424.
TMEM237-related disorder. Also called: TMEM237-related condition.

Allele frequency attached by ClinVar (database versions not stated): gnomAD 0.00013 and 0.00017; ESP Exome Variant Server 0.00017; TOPMed 0.00019; gnomAD exomes 0.00020 and 0.00021; ExAC 0.00027.
gnomAD v4.1: 322 of 1,606,800 alleles (0.02%); highest among the groups gnomAD compares: Middle Eastern, 0.15%; no homozygotes.

Submissions (5):

Labcorp Genetics (formerly Invitae), Labcorp
Classification: Likely benign for Joubert syndrome 14. Last evaluated: 2026-01-19. Review status: criteria provided, single submitter. Criteria: Invitae Variant Classification Sherloc (09022015). Collection method: clinical testing. Allele origin: germline.

Blueprint Genetics
Classification: Likely benign. Last evaluated: 2024-11-22. Review status: criteria provided, single submitter. Criteria: ACMG Guidelines, 2015. Collection method: clinical testing. Allele origin: germline.

CeGaT Center for Human Genetics Tuebingen
Classification: Likely benign. Last evaluated: 2024-01-01. Review status: criteria provided, single submitter. Criteria: CeGaT Center For Human Genetics Tuebingen Variant Classification Criteria Version 2. Collection method: clinical testing. Allele origin: germline. Affected: yes. Observed: 1 variant allele.
Comment: TMEM237: BP4, BP7

Illumina Laboratory Services, Illumina
Classification: Uncertain significance for Joubert syndrome 14. Last evaluated: 2018-01-12. Review status: criteria provided, single submitter. Criteria: ICSL Variant Classification Criteria 13 December 2019. Collection method: clinical testing. Allele origin: germline.

PreventionGenetics, part of Exact Sciences
Classification: Likely benign for TMEM237-related condition. Last evaluated: 2019-07-04. Review status: no assertion criteria provided. Collection method: clinical testing. Allele origin: germline. Not counted in ClinVar's aggregate classification.
Comment: This variant is classified as likely benign based on ACMG/AMP sequence variant interpretation guidelines (Richards et al. 2015 PMID: 25741868, with internal and published modifications).

NM_001044385.3(TMEM237):c.183C>T (p.Pro61=)

Gene: TMEM237 (transmembrane protein 237; minus strand). Cytogenetic location: 2q33.1.
Variant type: single nucleotide variant.
Coding change: c.183C>T on transcript NM_001044385.3 (MANE Select); coding-DNA position 183, C replaced by T.
Protein change: p.Pro61=; no amino-acid change (proline 61 retained).
Molecular consequence: synonymous variant.
Genome position (GRCh38, 1-based): chr2:201,636,839, G>A on the plus strand (C>T on the coding strand, the complement: TMEM237 is on the minus strand). VCF-style: chr2-201636839-G-A. GRCh37 (hg19) VCF-style: chr2-202501562-G-A.
Other names: c.159C>T, p.Pro53= (NM_152388.4).
Identifiers: ClinVar variation 783168 (VCV000783168.39), dbSNP rs372100073, ClinGen allele CA2056553.
Genomic context (GRCh38, chr2:201,636,839, plus strand): 5'-TTGAACAGGAGCCTCTGGGTGCTCTTTGAGTTCTTTAGTTGATGGCTCATTGCCCTCAGA[G>A]GGCCTTCGACCAGCAGTCTGAGCAAGGCCTTCCAAAGAAGCACTTGCTATAGAAAAACAG-3'
Protein context (NP_001037850.1, residues 51-71): EGLAQTAGRR[Pro61=]SEGNEPSTKE